The following is an entry in ClinVar:

ClinVar aggregate classification (germline): Uncertain significance. Review status: criteria provided, multiple submitters, no conflicts (2 of 4 stars). 2 submissions from 2 submitters: Uncertain significance (2). Last evaluated 2022-07-12.

Conditions:
Inborn genetic diseases. Identifiers: MedGen C0950123, MeSH D030342.

Allele frequency attached by ClinVar (database versions not stated): gnomAD exomes 0.00002; gnomAD 0.00003; TOPMed 0.00003; ExAC 0.00006; 1000 Genomes Project 30x 0.00016; 1000 Genomes Project 0.00020.
gnomAD v4.1: 34 of 1,613,840 alleles (0.0021%); highest among the groups gnomAD compares: East Asian, 0.074%; no homozygotes.

Submissions (2):

Ambry Genetics
Classification: Uncertain significance for Inborn genetic diseases. Last evaluated: 2022-07-12. Review status: criteria provided, single submitter. Criteria: Ambry Variant Classification Scheme 2023. Collection method: clinical testing. Allele origin: germline.

Labcorp Genetics (formerly Invitae), Labcorp
Classification: Uncertain significance. Last evaluated: 2022-05-20. Review status: criteria provided, single submitter. Criteria: Invitae Variant Classification Sherloc (09022015). Collection method: clinical testing. Allele origin: germline.
Comment: This sequence change replaces alanine, which is neutral and non-polar, with threonine, which is neutral and polar, at codon 534 of the IREB2 protein (p.Ala534Thr). This variant is present in population databases (rs557045393, gnomAD 0.1%). This variant has not been reported in the literature in individuals affected with IREB2-related conditions. Algorithms developed to predict the effect of missense changes on protein structure and function output the following: SIFT: "Not Available"; PolyPhen-2: "Benign"; Align-GVGD: "Not Available". The threonine amino acid residue is found in multiple mammalian species, which suggests that this missense change does not adversely affect protein function. In summary, the available evidence is currently insufficient to determine the role of this variant in disease. Therefore, it has been classified as a Variant of Uncertain Significance.

NM_004136.4(IREB2):c.1600G>A (p.Ala534Thr)

Gene: IREB2 (iron responsive element binding protein 2; plus strand). Cytogenetic location: 15q25.1.
Variant type: single nucleotide variant.
Coding change: c.1600G>A on transcript NM_004136.4 (MANE Select); coding-DNA position 1600, G replaced by A.
Protein change: p.Ala534Thr; replaces alanine 534 with threonine.
Molecular consequence: missense variant.
Genome position (GRCh38, 1-based): chr15:78,485,731, G>A. VCF-style: chr15-78485731-G-A. GRCh37 (hg19) VCF-style: chr15-78778073-G-A.
Other names: c.850G>A, p.Ala284Thr (NM_001320941.2); c.1429G>A, p.Ala477Thr (NM_001320942.2, NM_001354994.2); c.1600G>A (NM_004136.2); short protein forms A534T, A284T, A477T.
Identifiers: ClinVar variation 2179191 (VCV002179191.2), dbSNP rs557045393, ClinGen allele CA7683011.